The following is an entry in ClinVar:

ClinVar aggregate classification (germline): Conflicting classifications of pathogenicity. Review status: criteria provided, conflicting classifications (1 of 4 stars). 3 submissions from 3 submitters: Uncertain significance (2); Likely benign (1). Last evaluated 2023-03-14.

Conditions:
Inborn genetic diseases. Identifiers: MedGen C0950123, MeSH D030342.
Donnai-Barrow syndrome. Also called: FACIOOCULOACOUSTICORENAL SYNDROME; DBS/FOAR SYNDROME. Identifiers: Orphanet 2143, MedGen C1857277, MONDO:0009104, OMIM 222448.

Allele frequency attached by ClinVar (database versions not stated): gnomAD exomes below 0.00001 and 0.00002; ExAC 0.00002; TOPMed 0.00003; gnomAD 0.00004 and 0.00005; ESP Exome Variant Server 0.00008.
gnomAD v4.1: 8 of 1,613,520 alleles (0.0005%); highest among the groups gnomAD compares: African/African-American, 0.011%; no homozygotes.

Submissions (3):

Ambry Genetics
Classification: Likely benign for Inborn genetic diseases. Last evaluated: 2023-03-14. Review status: criteria provided, single submitter. Criteria: Ambry Variant Classification Scheme 2023. Collection method: clinical testing. Allele origin: germline.

Labcorp Genetics (formerly Invitae), Labcorp
Classification: Uncertain significance. Last evaluated: 2022-06-20. Review status: criteria provided, single submitter. Criteria: Invitae Variant Classification Sherloc (09022015). Collection method: clinical testing. Allele origin: germline.
Comment: This sequence change replaces isoleucine, which is neutral and non-polar, with valine, which is neutral and non-polar, at codon 705 of the LRP2 protein (p.Ile705Val). This variant is present in population databases (rs140552043, gnomAD 0.02%). This variant has not been reported in the literature in individuals affected with LRP2-related conditions. Advanced modeling of protein sequence and biophysical properties (such as structural, functional, and spatial information, amino acid conservation, physicochemical variation, residue mobility, and thermodynamic stability) performed at Invitae indicates that this missense variant is not expected to disrupt LRP2 protein function. In summary, the available evidence is currently insufficient to determine the role of this variant in disease. Therefore, it has been classified as a Variant of Uncertain Significance.

Fulgent Genetics
Classification: Uncertain significance for Donnai-Barrow syndrome. Last evaluated: 2022-03-08. Review status: criteria provided, single submitter. Criteria: ACMG Guidelines, 2015. Collection method: clinical testing. Allele origin: unknown.

NM_004525.3(LRP2):c.2113A>G (p.Ile705Val)

Gene: LRP2 (LDL receptor related protein 2; minus strand). Cytogenetic location: 2q31.1.
Variant type: single nucleotide variant.
Coding change: c.2113A>G on transcript NM_004525.3 (MANE Select); coding-DNA position 2113, A replaced by G.
Protein change: p.Ile705Val; replaces isoleucine 705 with valine.
Molecular consequence: missense variant.
Genome position (GRCh38, 1-based): chr2:169,272,930, T>C on the plus strand (A>G on the coding strand, the complement: LRP2 is on the minus strand). VCF-style: chr2-169272930-T-C. GRCh37 (hg19) VCF-style: chr2-170129440-T-C.
Other names: c.2113A>G (NM_004525.2); short protein forms I705V.
Identifiers: ClinVar variation 1426925 (VCV001426925.7), dbSNP rs140552043, ClinGen allele CA1955391.
Genomic context (GRCh38, chr2:169,272,930, plus strand): 5'-TTTGGACACACATACACCTGTGTCACCTGCCAACAACGTCCAAAACAGACTTCTTACCAA[T>C]GCAGTGGCGCTCATCTGTATCCAGTTGGAAGCCGAATGTGCACTTGCAACGGAAACCCAA-3'
Protein context (NP_004516.2, residues 695-715): FQLDTDERHC[Ile705Val]AVQNFLIFSS